The following is an entry in ClinVar:

ClinVar aggregate classification (germline): Uncertain significance (1 of 4 stars; one submission).

Conditions:
Methylcobalamin deficiency type cblG (HMAG). Also called: HOMOCYSTINURIA-MEGALOBLASTIC ANEMIA, cblG TYPE; HOMOCYSTINURIA-MEGALOBLASTIC ANEMIA DUE TO DEFECT IN COBALAMIN METABOLISM, cblG COMPLEMENTATION TYPE; Functional methionine synthase deficiency type cblG; HOMOCYSTINURIA-MEGALOBLASTIC ANEMIA, cblG COMPLEMENTATION TYPE. Identifiers: Orphanet 2170, Orphanet 622, MedGen C1855128, MONDO:0009609, OMIM 250940.

Allele frequency attached by ClinVar (database versions not stated): gnomAD exomes below 0.00001.
gnomAD v4.1: 1 of 1,525,778 alleles (0.000066%); highest among the groups gnomAD compares: Middle Eastern, 0.018%; no homozygotes.

Submission:

Labcorp Genetics (formerly Invitae), Labcorp
Classification: Uncertain significance for Methylcobalamin deficiency type cblG. Last evaluated: 2023-01-12. Review status: criteria provided, single submitter. Criteria: Invitae Variant Classification Sherloc (09022015). Collection method: clinical testing. Allele origin: germline.
Comment: This sequence change replaces glycine, which is neutral and non-polar, with aspartic acid, which is acidic and polar, at codon 682 of the MTR protein (p.Gly682Asp). This variant is not present in population databases (gnomAD no frequency). In summary, the available evidence is currently insufficient to determine the role of this variant in disease. Therefore, it has been classified as a Variant of Uncertain Significance. Algorithms developed to predict the effect of missense changes on protein structure and function are either unavailable or do not agree on the potential impact of this missense change (SIFT: "Deleterious"; PolyPhen-2: "Probably Damaging"; Align-GVGD: "Class C0"). This variant has not been reported in the literature in individuals affected with MTR-related conditions.

NM_000254.3(MTR):c.2045G>A (p.Gly682Asp)

Gene: MTR (5-methyltetrahydrofolate-homocysteine methyltransferase; plus strand). Cytogenetic location: 1q43.
Variant type: single nucleotide variant.
Coding change: c.2045G>A on transcript NM_000254.3 (MANE Select); coding-DNA position 2045, G replaced by A.
Protein change: p.Gly682Asp; replaces glycine 682 with aspartic acid.
Molecular consequence: missense variant. On other transcripts: intron variant (1).
Genome position (GRCh38, 1-based): chr1:236,861,126, G>A. VCF-style: chr1-236861126-G-A. GRCh37 (hg19) VCF-style: chr1-237024426-G-A.
Other names: c.824G>A, p.Gly275Asp (NM_001291940.2); c.2045G>A, p.Gly682Asp (NM_001410942.1); c.2044-1110G>A (NM_001291939.1); short protein forms G682D, G275D.
Identifiers: ClinVar variation 1919447 (VCV001919447.5), dbSNP rs113914406, ClinGen allele CA39751923.